The following is an entry in ClinVar:

NM_001384732.1(CPLANE1):c.8819C>T (p.Ser2940Leu)

Gene: CPLANE1 (ciliogenesis and planar polarity effector complex subunit 1; minus strand). Cytogenetic location: 5p13.2.
Variant type: single nucleotide variant.
Coding change: c.8819C>T on transcript NM_001384732.1 (MANE Select); coding-DNA position 8819, C replaced by T.
Protein change: p.Ser2940Leu; replaces serine 2940 with leucine.
Molecular consequence: missense variant.
Genome position (GRCh38, 1-based): chr5:37,125,383, G>A on the plus strand (C>T on the coding strand, the complement: CPLANE1 is on the minus strand). VCF-style: chr5-37125383-G-A. GRCh37 (hg19) VCF-style: chr5-37125485-G-A.
Other names: c.8657C>T, p.Ser2886Leu (NM_023073.4); c.8657C>T (NM_023073.3); short protein forms S2940L, S2886L.
Identifiers: ClinVar variation 1426445 (VCV001426445.9), dbSNP rs773296645, ClinGen allele CA3237645.

ClinVar aggregate classification (germline): Conflicting classifications of pathogenicity. Review status: criteria provided, conflicting classifications (1 of 4 stars). 2 submissions from 2 submitters: Uncertain significance (1); Likely benign (1). Last evaluated 2024-03-14.

Conditions:
Inborn genetic diseases. Identifiers: MedGen C0950123, MeSH D030342.

Allele frequency attached by ClinVar (database versions not stated): ExAC 0.00001; gnomAD 0.00001; gnomAD exomes 0.00001; TOPMed 0.00001.
gnomAD v4.1: 12 of 1,612,910 alleles (0.00074%); highest among the groups gnomAD compares: Non-Finnish European, 0.001%; no homozygotes.

Submissions (2):

Ambry Genetics
Classification: Likely benign for Inborn genetic diseases. Last evaluated: 2024-03-14. Review status: criteria provided, single submitter. Criteria: Ambry Variant Classification Scheme 2023. Collection method: clinical testing. Allele origin: germline.

Labcorp Genetics (formerly Invitae), Labcorp
Classification: Uncertain significance. Last evaluated: 2022-09-13. Review status: criteria provided, single submitter. Criteria: Invitae Variant Classification Sherloc (09022015). Collection method: clinical testing. Allele origin: germline.
Comment: This variant is present in population databases (rs773296645, gnomAD 0.002%). This sequence change replaces serine, which is neutral and polar, with leucine, which is neutral and non-polar, at codon 2886 of the CPLANE1 protein (p.Ser2886Leu). This variant has not been reported in the literature in individuals affected with CPLANE1-related conditions. In summary, the available evidence is currently insufficient to determine the role of this variant in disease. Therefore, it has been classified as a Variant of Uncertain Significance. Advanced modeling of protein sequence and biophysical properties (such as structural, functional, and spatial information, amino acid conservation, physicochemical variation, residue mobility, and thermodynamic stability) performed at Invitae indicates that this missense variant is not expected to disrupt CPLANE1 protein function. ClinVar contains an entry for this variant (Variation ID: 1426445).